The following is an entry in ClinVar:

NM_007046.4(EMILIN1):c.-9C>T

Gene: EMILIN1 (elastin microfibril interfacer 1; plus strand). Cytogenetic location: 2p23.3.
Variant type: single nucleotide variant.
Coding change: c.-9C>T on transcript NM_007046.4 (MANE Select); 9 bases upstream of the start codon, C replaced by T.
Molecular consequence: 5 prime UTR variant.
Genome position (GRCh38, 1-based): chr2:27,079,057, C>T. VCF-style: chr2-27079057-C-T. GRCh37 (hg19) VCF-style: chr2-27301925-C-T.
Identifiers: ClinVar variation 4984774 (VCV004984774.1).

ClinVar aggregate classification (germline): Likely benign (1 of 4 stars; one submission).

Conditions:
EMILIN1-related disorder. Also called: EMILIN1-related condition.

gnomAD v4.1: 568 of 1,540,920 alleles (0.037%); highest among the groups gnomAD compares: African/African-American, 0.68%; 3 homozygotes.

Submission:

PreventionGenetics, part of Exact Sciences
Classification: Likely benign for EMILIN1-related condition. Last evaluated: 2026-07-08. Review status: criteria provided, single submitter. Criteria: ACMG Guidelines, 2015. Collection method: clinical testing. Allele origin: germline.
Comment: This variant is classified as likely benign based on ACMG/AMP sequence variant interpretation guidelines (Richards et al. 2015 PMID: 25741868, with internal and published modifications).